The following is an entry in ClinVar:

ClinVar aggregate classification (germline): Likely benign (1 of 4 stars; one submission).

gnomAD v4.1: 1 of 1,613,862 alleles (0.000062%); no homozygotes.

Submission:

CeGaT Center for Human Genetics Tuebingen
Classification: Likely benign. Last evaluated: 2026-01-01. Review status: criteria provided, single submitter. Criteria: CeGaT Center For Human Genetics Tuebingen Variant Classification Criteria Version 2. Collection method: clinical testing. Allele origin: germline. Affected: yes. Observed: 1 variant allele.
Comment: MAGEL2: BP4, BP7

NM_019066.5(MAGEL2):c.3081G>A (p.Leu1027=)

Gene: MAGEL2 (MAGE family member L2; minus strand). Cytogenetic location: 15q11.2.
Variant type: single nucleotide variant.
Coding change: c.3081G>A on transcript NM_019066.5 (MANE Select); coding-DNA position 3081, G replaced by A.
Protein change: p.Leu1027=; no amino-acid change (leucine 1027 retained).
Molecular consequence: synonymous variant.
Genome position (GRCh38, 1-based): chr15:23,644,662, C>T on the plus strand (G>A on the coding strand, the complement: MAGEL2 is on the minus strand). VCF-style: chr15-23644662-C-T. GRCh37 (hg19) VCF-style: chr15-23889809-C-T.
Identifiers: ClinVar variation 4823058 (VCV004823058.4).